The following is an entry in ClinVar:

ClinVar aggregate classification (germline): Uncertain significance. Review status: criteria provided, multiple submitters, no conflicts (2 of 4 stars). 2 submissions from 2 submitters: Uncertain significance (2). Last evaluated 2024-04-11.

Conditions:
Charcot-Marie-Tooth disease type 4. Also called: Charcot-Marie-Tooth disease, type IV; Charcot-Marie-Tooth, Type 4. Identifiers: Orphanet 64749, MedGen C4082197, MONDO:0018995.

Allele frequency attached by ClinVar (database versions not stated): gnomAD exomes 0.00001.
gnomAD v4.1: 10 of 1,586,244 alleles (0.00063%); highest among the groups gnomAD compares: East Asian, 0.0046%; no homozygotes.

Submissions (2):

Blueprint Genetics
Classification: Uncertain significance. Last evaluated: 2024-04-11. Review status: criteria provided, single submitter. Criteria: ACMG Guidelines, 2015. Collection method: clinical testing. Allele origin: germline.

Labcorp Genetics (formerly Invitae), Labcorp
Classification: Uncertain significance for Charcot-Marie-Tooth disease type 4. Last evaluated: 2022-06-20. Review status: criteria provided, single submitter. Criteria: Invitae Variant Classification Sherloc (09022015). Collection method: clinical testing. Allele origin: germline.
Comment: This sequence change replaces glutamine, which is neutral and polar, with arginine, which is basic and polar, at codon 13 of the FIG4 protein (p.Gln13Arg). This variant is not present in population databases (gnomAD no frequency). This variant has not been reported in the literature in individuals affected with FIG4-related conditions. Algorithms developed to predict the effect of missense changes on protein structure and function (SIFT, PolyPhen-2, Align-GVGD) all suggest that this variant is likely to be tolerated. In summary, the available evidence is currently insufficient to determine the role of this variant in disease. Therefore, it has been classified as a Variant of Uncertain Significance.

NM_014845.6(FIG4):c.38A>G (p.Gln13Arg)

Gene: FIG4 (FIG4 phosphoinositide 5-phosphatase; plus strand). Cytogenetic location: 6q21.
Variant type: single nucleotide variant.
Coding change: c.38A>G on transcript NM_014845.6 (MANE Select); coding-DNA position 38, A replaced by G.
Protein change: p.Gln13Arg; replaces glutamine 13 with arginine.
Molecular consequence: missense variant.
Genome position (GRCh38, 1-based): chr6:109,691,473, A>G. VCF-style: chr6-109691473-A-G. GRCh37 (hg19) VCF-style: chr6-110012676-A-G.
Other names: short protein forms Q13R.
Identifiers: ClinVar variation 1386046 (VCV001386046.4), dbSNP rs1774392570, ClinGen allele CA365206659.